The following is an entry in ClinVar:

ClinVar aggregate classification (germline): Uncertain significance (1 of 4 stars; one submission).

Submission:

Ambry Genetics
Classification: Uncertain significance. Last evaluated: 2026-03-02. Review status: criteria provided, single submitter. Criteria: Ambry Variant Classification Scheme 2023. Collection method: clinical testing. Allele origin: germline.
Comment: The p.F491I variant (also known as c.1471T>A), located in coding exon 1 of the MLH3 gene, results from a T to A substitution at nucleotide position 1471. The phenylalanine at codon 491 is replaced by isoleucine, an amino acid with highly similar properties. This amino acid position is conserved. In addition, this alteration is predicted to be tolerated by in silico analysis. Based on the available evidence, the clinical significance of this variant remains unclear.

NM_001040108.2(MLH3):c.1471T>A (p.Phe491Ile)

Gene: MLH3 (mutL homolog 3; minus strand). Cytogenetic location: 14q24.3.
Variant type: single nucleotide variant.
Coding change: c.1471T>A on transcript NM_001040108.2 (MANE Select); coding-DNA position 1471, T replaced by A.
Protein change: p.Phe491Ile; replaces phenylalanine 491 with isoleucine.
Molecular consequence: missense variant.
Genome position (GRCh38, 1-based): chr14:75,048,185, A>T on the plus strand (T>A on the coding strand, the complement: MLH3 is on the minus strand). VCF-style: chr14-75048185-A-T. GRCh37 (hg19) VCF-style: chr14-75514888-A-T.
Other names: c.1471T>A, p.Phe491Ile (NM_014381.3); short protein forms F491I.
Identifiers: ClinVar variation 4826063 (VCV004826063.1).